The following is an entry in ClinVar:

ClinVar aggregate classification (germline): Likely benign (1 of 4 stars; one submission).

Submission:

CeGaT Center for Human Genetics Tuebingen
Classification: Likely benign. Last evaluated: 2024-09-01. Review status: criteria provided, single submitter. Criteria: CeGaT Center For Human Genetics Tuebingen Variant Classification Criteria Version 2. Collection method: clinical testing. Allele origin: germline. Affected: yes. Observed: 1 variant allele.
Comment: USP9X: PM2:Supporting, BP4, BP7

NM_001039591.3(USP9X):c.1053G>A (p.Lys351=)

Gene: USP9X (ubiquitin specific peptidase 9 X-linked; plus strand). Cytogenetic location: Xp11.4.
Variant type: single nucleotide variant.
Coding change: c.1053G>A on transcript NM_001039591.3 (MANE Select); coding-DNA position 1053, G replaced by A.
Protein change: p.Lys351=; no amino-acid change (lysine 351 retained).
Molecular consequence: synonymous variant.
Genome position (GRCh38, 1-based): chrX:41,141,323, G>A. VCF-style: chrX-41141323-G-A. GRCh37 (hg19) VCF-style: chrX-41000576-G-A.
Other names: c.1053G>A, p.Lys351= (NM_001039590.3, NM_001410748.1, NM_001410749.1).
Identifiers: ClinVar variation 3389553 (VCV003389553.14).